The following is an entry in ClinVar:

ClinVar aggregate classification (germline): Benign/Likely benign. Review status: criteria provided, multiple submitters, no conflicts (2 of 4 stars). 2 submissions from 2 submitters: Benign (1); Likely benign (1). Last evaluated 2025-03-26.

Conditions:
Juvenile polyposis/hereditary hemorrhagic telangiectasia syndrome (JPHT). Also called: JP/HHT SYNDROME; JUVENILE POLYPOSIS WITH HEREDITARY HEMORRHAGIC TELANGIECTASIA; POLYPOSIS, GENERALIZED JUVENILE, WITH PULMONARY ARTERIOVENOUS MALFORMATION; TELANGIECTASIA, HEREDITARY HEMORRHAGIC, WITH JUVENILE POLYPOSIS COLI; Juvenile Polyposis Syndrome / Hereditary Hemorrhagic Telangiectasia (JPS/HHT). Identifiers: Orphanet 2929, MedGen C1832942, MONDO:0008278, OMIM 175050.
Juvenile polyposis syndrome (JPS). Identifiers: Orphanet 2929, MedGen C0345893, MONDO:0017380, OMIM 174900.

Submissions (2):

Labcorp Genetics (formerly Invitae), Labcorp
Classification: Likely benign for Juvenile polyposis syndrome. Last evaluated: 2025-03-26. Review status: criteria provided, single submitter. Criteria: Invitae Variant Classification Sherloc (09022015). Collection method: clinical testing. Allele origin: germline.

Myriad Genetics, Inc.
Classification: Benign for Juvenile polyposis/hereditary hemorrhagic telangiectasia syndrome. Last evaluated: 2025-03-21. Review status: criteria provided, single submitter. Criteria: Myriad Autosomal Dominant, Autosomal Recessive and X-Linked Classification Criteria (2023). Collection method: clinical testing. Allele origin: unknown.
Comment: This variant is considered benign. This variant is a silent/synonymous amino acid change and it is not expected to impact splicing.

NM_005359.6(SMAD4):c.1101C>T (p.Leu367=)

Gene: SMAD4 (SMAD family member 4; plus strand). Cytogenetic location: 18q21.2.
Variant type: single nucleotide variant.
Coding change: c.1101C>T on transcript NM_005359.6 (MANE Select); coding-DNA position 1101, C replaced by T.
Protein change: p.Leu367=; no amino-acid change (leucine 367 retained).
Molecular consequence: synonymous variant. On other transcripts: non-coding transcript variant (2).
Genome position (GRCh38, 1-based): chr18:51,065,568, C>T. VCF-style: chr18-51065568-C-T. GRCh37 (hg19) VCF-style: chr18-48591938-C-T.
Other names: c.1101C>T, p.Leu367= (NM_001407041.1, NM_001407042.1, NM_001407043.1).
Identifiers: ClinVar variation 3903897 (VCV003903897.2).